The following is an entry in ClinVar:

NM_001024630.4(RUNX2):c.685+5G>A

Gene: RUNX2 (RUNX family transcription factor 2; plus strand). Cytogenetic location: 6p21.1.
Variant type: single nucleotide variant.
Coding change: c.685+5G>A on transcript NM_001024630.4 (MANE Select); 5 bases into the intron after coding-DNA position 685, G replaced by A.
Molecular consequence: intron variant.
Genome position (GRCh38, 1-based): chr6:45,438,056, G>A. VCF-style: chr6-45438056-G-A. GRCh37 (hg19) VCF-style: chr6-45405793-G-A.
Other names: c.685+5G>A (NM_001015051.4); c.643+5G>A (NM_001369405.1, NM_001278478.2).
Identifiers: ClinVar variation 916701 (VCV000916701.3), dbSNP rs1798738030, ClinGen allele CA1139659565.

ClinVar aggregate classification (germline): Uncertain significance (0 of 4 stars; one submission).

Conditions:
Cleidocranial dysostosis (CLCD1). Also called: Cleidocranial Dysplasia Spectrum Disorder; cleidocranial dysplasia 1; Marie-Sainton disease. Identifiers: Orphanet 1452, MedGen C0008928, MONDO:0007340, OMIM 119600.

Submission:

Istanbul Faculty of Medicine, Istanbul University
Classification: Uncertain significance for Cleidocranial dysplasia. Last evaluated: 2020-05-23. Review status: no assertion criteria provided. Collection method: clinical testing. Allele origin: unknown. Affected: yes. Observed: 1 variant allele.

Literature cited by the submitters: PubMed 33987976.